The following is an entry in ClinVar:

ClinVar aggregate classification (germline): Uncertain significance (1 of 4 stars; one submission).

Conditions:
IFT172-related disorder. Also called: IFT172-related disorders; IFT172-related condition.

gnomAD v4.1: 1 of 1,543,186 alleles (0.000065%); highest among the groups gnomAD compares: African/African-American, 0.0014%; no homozygotes.

Submission:

PreventionGenetics, part of Exact Sciences
Classification: Uncertain significance for IFT172-related condition. Last evaluated: 2025-05-29. Review status: criteria provided, single submitter. Criteria: ACMG Guidelines, 2015. Collection method: clinical testing. Allele origin: germline.
Comment: The IFT172 c.4420A>C variant is predicted to result in the amino acid substitution p.Asn1474His. To our knowledge, this variant has not been reported in the literature or in a large population database (gnomAD), indicating this variant is rare. At this time, the clinical significance of this variant is uncertain due to the absence of conclusive functional and genetic evidence.

NM_015662.3(IFT172):c.4420A>C (p.Asn1474His)

Gene: IFT172 (intraflagellar transport 172; minus strand). Cytogenetic location: 2p23.3.
Variant type: single nucleotide variant.
Coding change: c.4420A>C on transcript NM_015662.3 (MANE Select); coding-DNA position 4420, A replaced by C.
Protein change: p.Asn1474His; replaces asparagine 1474 with histidine.
Molecular consequence: missense variant.
Genome position (GRCh38, 1-based): chr2:27,448,923, T>G on the plus strand (A>C on the coding strand, the complement: IFT172 is on the minus strand). VCF-style: chr2-27448923-T-G. GRCh37 (hg19) VCF-style: chr2-27671790-T-G.
Other names: c.4354A>C, p.Asn1452His (NM_001410739.1); short protein forms N1452H, N1474H.
Identifiers: ClinVar variation 5001877 (VCV005001877.1).
Genomic context (GRCh38, chr2:27,448,923, plus strand): 5'-AGGAGAAAGAGCTTTCTTGTGGAAACATTCAACCCAAGGAGAAGGCTGGTACCTGTGGGT[T>G]AGCAGGGGCTCCGTGCTGTACATACAGGGCCAATGCCTGGGCAGAGCTACCCTCCCGGAT-3'
Protein context (NP_056477.1, residues 1464-1484): ALYVQHGAPA[Asn1474His]PQNFNIYKRI